The following is an entry in ClinVar:

Conditions:
Breast-ovarian cancer, familial, susceptibility to, 1 (BROVCA1). Also called: BRCA1 Hereditary Breast and Ovarian Cancer; OVARIAN CANCER, SUSCEPTIBILITY TO. Identifiers: Orphanet 145, MedGen C2676676, MONDO:0011450, OMIM 604370. Disease mechanism: loss of function.

Submission:

Brotman Baty Institute, University of Washington
No classification provided (evidence only). Condition: Breast-ovarian cancer, familial 1. Review status: no classification provided. Collection method: in vitro. Allele origin: not applicable. Functional consequence: functionally_normal.
ClinVar note: "not provided" was previously submitted as the classification for the variant. However, the classification appeared to be based only on an observation of functional data so it was converted to no classification on 2025-07-30.

NM_007294.4(BRCA1):c.147G>T (p.Leu49=)

Gene: BRCA1 (BRCA1 DNA repair associated; minus strand). Cytogenetic location: 17q21.31.
Variant type: single nucleotide variant.
Coding change: c.147G>T on transcript NM_007294.4 (MANE Select); coding-DNA position 147, G replaced by T.
Protein change: p.Leu49=; no amino-acid change (leucine 49 retained).
Molecular consequence: synonymous variant. On other transcripts: 5 prime UTR variant (61), intron variant (34).
Genome position (GRCh38, 1-based): chr17:43,106,521, C>A on the plus strand (G>T on the coding strand, the complement: BRCA1 is on the minus strand). VCF-style: chr17-43106521-C-A. GRCh37 (hg19) VCF-style: chr17-41258538-C-A.
Other names: c.147G>T, p.Leu49= (NM_001408440.1, NM_001408441.1, NM_001408442.1 and 168 more transcripts); c.6G>T, p.Leu2= (NM_001408452.1, NM_001408453.1, NM_001408454.1 and 99 more transcripts); c.-42G>T (NM_001408478.1, NM_001408479.1, NM_001408480.1 and 58 more transcripts); c.-218-11661G>T (NM_001407967.1, NM_001407966.1); c.-169-1565G>T (NM_001407959.1, NM_001407962.1, NM_001408512.1 and 4 more transcripts); c.81-1565G>T (NM_001408451.1); c.135-1565G>T (NM_001408475.1, NM_001407875.1, NM_001407659.1 and 21 more transcripts).
Identifiers: ClinVar variation 867888 (VCV000867888.3), dbSNP rs1555597297, ClinGen allele CA500128221.